The following is an entry in ClinVar:

NM_032638.5(GATA2):c.229+3G>A

Gene: GATA2 (GATA binding protein 2; minus strand). Cytogenetic location: 3q21.3.
Variant type: single nucleotide variant.
Coding change: c.229+3G>A on transcript NM_032638.5 (MANE Select); 3 bases into the intron after coding-DNA position 229, G replaced by A.
Molecular consequence: intron variant.
Genome position (GRCh38, 1-based): chr3:128,486,800, C>T on the plus strand (G>A on the coding strand, the complement: GATA2 is on the minus strand). VCF-style: chr3-128486800-C-T. GRCh37 (hg19) VCF-style: chr3-128205643-C-T.
Other names: c.229+3G>A (NM_001145662.1, NM_001145661.2).
Identifiers: ClinVar variation 4826582 (VCV004826582.1).

ClinVar aggregate classification (germline): Uncertain significance (1 of 4 stars; one submission).

Conditions:
Inborn genetic diseases. Identifiers: MedGen C0950123, MeSH D030342.

Submission:

Ambry Genetics
Classification: Uncertain significance for Inborn genetic diseases. Last evaluated: 2026-03-06. Review status: criteria provided, single submitter. Criteria: Ambry Variant Classification Scheme 2023. Collection method: clinical testing. Allele origin: germline.
Comment: The c.229+3G>A intronic variant results from a G to A substitution 3 nucleotides after coding exon 1 in the GATA2 gene. This nucleotide position is not well conserved in available vertebrate species. In silico splice site analysis predicts that this alteration will not have any significant effect on splicing. Based on the available evidence, the clinical significance of this variant remains unclear.